The following is an entry in ClinVar:

NM_002769.5(PRSS1):c.640G>A (p.Val214Ile)

Genes: PRSS1 (serine protease 1; plus strand), TRB (T cell receptor beta locus; plus strand). Cytogenetic location: 7q34.
Variant type: single nucleotide variant.
Coding change: c.640G>A on transcript NM_002769.5 (MANE Select); coding-DNA position 640, G replaced by A.
Protein change: p.Val214Ile; replaces valine 214 with isoleucine.
Molecular consequence: missense variant. On other transcripts: non-coding transcript variant (5).
Genome position (GRCh38, 1-based): chr7:142,752,916, G>A. VCF-style: chr7-142752916-G-A. GRCh37 (hg19) VCF-style: chr7-142460767-G-A.
Other names: short protein forms V214I.
Identifiers: ClinVar variation 2624534 (VCV002624534.2), dbSNP rs2485768837, ClinGen allele CA369610659.
Genomic context (GRCh38, chr7:142,752,916, plus strand): 5'-TCTTCCCCCCAGGGTGATTCTGGTGGCCCTGTGGTCTGCAATGGACAGCTCCAAGGAGTT[G>A]TCTCCTGGGGTGATGGCTGTGCCCAGAAGAACAAGCCTGGAGTCTACACCAAGGTCTACA-3'
Protein context (NP_002760.1, residues 204-224): VVCNGQLQGV[Val214Ile]SWGDGCAQKN

ClinVar aggregate classification (germline): Uncertain significance (1 of 4 stars; one submission).

Conditions:
Hereditary pancreatitis (PCTT). Also called: PRSS1-Related Hereditary Pancreatitis; Hereditary chronic pancreatitis. Identifiers: Orphanet 676, MedGen C0238339, MONDO:0008185, OMIM 167800.

Allele frequency attached by ClinVar (database versions not stated): gnomAD exomes below 0.00001.
gnomAD v4.1: 1 of 1,614,050 alleles (0.000062%); highest among the groups gnomAD compares: Non-Finnish European, 0.000085%; no homozygotes.

Submission:

Ambry Genetics
Classification: Uncertain significance for Hereditary pancreatitis. Last evaluated: 2023-08-04. Review status: criteria provided, single submitter. Criteria: Ambry Variant Classification Scheme 2023. Collection method: clinical testing. Allele origin: germline.
Comment: The p.V214I variant (also known as c.640G>A), located in coding exon 5 of the PRSS1 gene, results from a G to A substitution at nucleotide position 640. The valine at codon 214 is replaced by isoleucine, an amino acid with highly similar properties. This amino acid position is conserved. In addition, the in silico prediction for this alteration is inconclusive. Since supporting evidence is limited at this time, the clinical significance of this alteration remains unclear.